The following is an entry in ClinVar:

NM_007118.4(TRIO):c.2920A>G (p.Met974Val)

Gene: TRIO (trio Rho guanine nucleotide exchange factor; plus strand). Cytogenetic location: 5p15.2.
Variant type: single nucleotide variant.
Coding change: c.2920A>G on transcript NM_007118.4 (MANE Select); coding-DNA position 2920, A replaced by G.
Protein change: p.Met974Val; replaces methionine 974 with valine.
Molecular consequence: missense variant. On other transcripts: non-coding transcript variant (1).
Genome position (GRCh38, 1-based): chr5:14,368,753, A>G. VCF-style: chr5-14368753-A-G. GRCh37 (hg19) VCF-style: chr5-14368862-A-G.
Other names: short protein forms M974V.
Identifiers: ClinVar variation 3769942 (VCV003769942.1).

ClinVar aggregate classification (germline): Uncertain significance (1 of 4 stars; one submission).

Submission:

GeneDx
Classification: Uncertain significance. Last evaluated: 2024-09-11. Review status: criteria provided, single submitter. Criteria: GeneDx Variant Classification Process June 2021. Collection method: clinical testing. Allele origin: germline. Affected: yes.
Comment: Not observed at significant frequency in large population cohorts (gnomAD); In silico analysis indicates that this missense variant does not alter protein structure/function; Has not been previously published as pathogenic or benign to our knowledge